The following is an entry in ClinVar:

NM_000238.4(KCNH2):c.692G>T (p.Arg231Leu)

Gene: KCNH2 (potassium voltage-gated channel subfamily H member 2; minus strand). Cytogenetic location: 7q36.1.
Variant type: single nucleotide variant.
Coding change: c.692G>T on transcript NM_000238.4 (MANE Select); coding-DNA position 692, G replaced by T.
Protein change: p.Arg231Leu; replaces arginine 231 with leucine.
Molecular consequence: missense variant. On other transcripts: non-coding transcript variant (1).
Genome position (GRCh38, 1-based): chr7:150,958,283, C>A on the plus strand (G>T on the coding strand, the complement: KCNH2 is on the minus strand). VCF-style: chr7-150958283-C-A. GRCh37 (hg19) VCF-style: chr7-150655371-C-A.
Other names: c.404G>T, p.Arg135Leu (NM_001406753.1, NM_001406756.1); c.515G>T, p.Arg172Leu (NM_001406755.1); c.392G>T, p.Arg131Leu (NM_001406757.1); c.692G>T, p.Arg231Leu (NM_172056.3); short protein forms R131L, R135L, R172L, R231L.
Identifiers: ClinVar variation 2501446 (VCV002501446.2), dbSNP rs1383803455, ClinGen allele CA369862808.

ClinVar aggregate classification (germline): Uncertain significance. Review status: criteria provided, multiple submitters, no conflicts (2 of 4 stars). 2 submissions from 2 submitters: Uncertain significance (2). Last evaluated 2026-01-21.

Conditions:
Long QT syndrome (LQTS). Identifiers: MedGen C0023976, MeSH D008133, MONDO:0002442. Disease mechanism: loss of function. Inheritance: Various modes of inheritance.

gnomAD v4.1: 4 of 1,460,336 alleles (0.00027%); highest among the groups gnomAD compares: Non-Finnish European, 0.00036%; no homozygotes.

Submissions (2):

Labcorp Genetics (formerly Invitae), Labcorp
Classification: Uncertain significance for Long QT syndrome. Last evaluated: 2026-01-21. Review status: criteria provided, single submitter. Criteria: Invitae Variant Classification Sherloc (09022015). Collection method: clinical testing. Allele origin: germline.
Comment: This sequence change replaces arginine, which is basic and polar, with leucine, which is neutral and non-polar, at codon 231 of the KCNH2 protein (p.Arg231Leu). This variant is not present in population databases (gnomAD no frequency). This variant has not been reported in the literature in individuals affected with KCNH2-related conditions. ClinVar contains an entry for this variant (Variation ID: 2501446). An algorithm developed to predict the effect of missense changes on protein structure and function (PolyPhen-2) suggests that this variant is likely to be tolerated. In summary, the available evidence is currently insufficient to determine the role of this variant in disease. Therefore, it has been classified as a Variant of Uncertain Significance.

GeneDx
Classification: Uncertain significance. Last evaluated: 2022-11-02. Review status: criteria provided, single submitter. Criteria: GeneDx Variant Classification Process June 2021. Collection method: clinical testing. Allele origin: germline. Affected: yes.
Comment: Not observed at significant frequency in large population cohorts (gnomAD); In silico analysis supports that this missense variant does not alter protein structure/function; Has not been previously published as pathogenic or benign to our knowledge